The following is an entry in ClinVar:

NM_005591.4(MRE11):c.863G>A (p.Arg288His)

Gene: MRE11 (MRE11 double strand break repair nuclease; minus strand). Cytogenetic location: 11q21.
Variant type: single nucleotide variant.
Coding change: c.863G>A on transcript NM_005591.4 (MANE Select); coding-DNA position 863, G replaced by A.
Protein change: p.Arg288His; replaces arginine 288 with histidine.
Molecular consequence: missense variant.
Genome position (GRCh38, 1-based): chr11:94,470,625, C>T on the plus strand (G>A on the coding strand, the complement: MRE11 is on the minus strand). VCF-style: chr11-94470625-C-T. GRCh37 (hg19) VCF-style: chr11-94203791-C-T.
Other names: c.863G>A (NM_005590.3); c.863G>A, p.Arg288His (NM_001330347.2, NM_005590.4); short protein forms R288H.
Identifiers: ClinVar variation 230934 (VCV000230934.19), dbSNP rs190142346, ClinGen allele CA6235274.

ClinVar aggregate classification (germline): Conflicting classifications of pathogenicity. Review status: criteria provided, conflicting classifications (1 of 4 stars). 5 submissions from 5 submitters: Uncertain significance (4); Benign (1). Last evaluated 2026-01-16.

Conditions:
Ataxia-telangiectasia-like disorder (ATLD). Identifiers: MedGen C1858391, MONDO:0011457.
Hereditary cancer-predisposing syndrome. Also called: Tumor predisposition; Hereditary neoplastic syndrome; Hereditary Cancer Syndrome; Neoplastic Syndromes, Hereditary. Identifiers: Orphanet 140162, MedGen C0027672, MeSH D009386, MONDO:0015356.
Ovarian cancer. Also called: OVARIAN CANCER, SOMATIC. Identifiers: Orphanet 213500, MedGen C1140680, MONDO:0008170, OMIM 167000.

Allele frequency attached by ClinVar (database versions not stated): gnomAD exomes 0.00001 and 0.00006; ExAC 0.00003; gnomAD 0.00007 and 0.00006; 1000 Genomes Project 30x 0.00016; 1000 Genomes Project 0.00020; TOPMed 0.00006.
gnomAD v4.1: 31 of 1,612,964 alleles (0.0019%); highest among the groups gnomAD compares: Admixed American, 0.018%; no homozygotes.

Submissions (5):

Labcorp Genetics (formerly Invitae), Labcorp
Classification: Uncertain significance for Ataxia-telangiectasia-like disorder. Last evaluated: 2026-01-16. Review status: criteria provided, single submitter. Criteria: Invitae Variant Classification Sherloc (09022015). Collection method: clinical testing. Allele origin: germline.
Comment: This sequence change replaces arginine, which is basic and polar, with histidine, which is basic and polar, at codon 288 of the MRE11 protein (p.Arg288His). The frequency data for this variant in the population databases is considered unreliable, as metrics indicate poor data quality at this position in the gnomAD database. This variant has not been reported in the literature in individuals affected with MRE11-related conditions. ClinVar contains an entry for this variant (Variation ID: 230934). An algorithm developed to predict the effect of missense changes on protein structure and function outputs the following: PolyPhen-2: "Benign". The histidine amino acid residue is found in multiple mammalian species, which suggests that this missense change does not adversely affect protein function. In summary, the available evidence is currently insufficient to determine the role of this variant in disease. Therefore, it has been classified as a Variant of Uncertain Significance.

Ambry Genetics
Classification: Uncertain significance for Hereditary cancer-predisposing syndrome. Last evaluated: 2025-12-17. Review status: criteria provided, single submitter. Criteria: Ambry Variant Classification Scheme 2023. Collection method: clinical testing. Allele origin: germline.
Comment: The p.R288H variant (also known as c.863G>A), located in coding exon 8 of the MRE11A gene, results from a G to A substitution at nucleotide position 863. The arginine at codon 288 is replaced by histidine, an amino acid with highly similar properties. This amino acid position is well conserved in available vertebrate species. In addition, this alteration is predicted to be tolerated by in silico analysis. Since supporting evidence is limited at this time, the clinical significance of this alteration remains unclear.

Quest Diagnostics Nichols Institute San Juan Capistrano
Classification: Uncertain significance. Last evaluated: 2025-09-29. Review status: criteria provided, single submitter. Criteria: Quest Diagnostics criteria. Collection method: clinical testing. Allele origin: unknown.

Laboratory of Molecular Epidemiology of Birth Defects, West China Second University Hospital, Sichuan University
Classification: Benign for Ovarian cancer. Last evaluated: 2022-01-01. Review status: criteria provided, single submitter. Criteria: ACMG Guidelines, 2015. Collection method: clinical testing. Allele origin: germline. Affected: yes.

Institute for Clinical Genetics, University Hospital TU Dresden, University Hospital TU Dresden
Classification: Uncertain significance. Last evaluated: 2021-11-03. Review status: criteria provided, single submitter. Criteria: ACMG Guidelines, 2015. Collection method: clinical testing. Allele origin: germline.